The following is an entry in ClinVar:

ClinVar aggregate classification (germline): Pathogenic/Likely pathogenic. Review status: criteria provided, multiple submitters, no conflicts (2 of 4 stars). 6 submissions from 5 submitters: Pathogenic (3); Likely pathogenic (2). 1 of the submissions does not count toward it. Last evaluated 2026-01-18.

Conditions:
Retinitis pigmentosa 39 (RP39). Identifiers: Orphanet 791, MedGen C3151138, MONDO:0013436, OMIM 613809.
Usher syndrome type 2A. Also called: RETINAL DISEASE IN USHER SYNDROME TYPE IIA, MODIFIER OF; USHER SYNDROME, TYPE IIA. Identifiers: Orphanet 231178, Orphanet 886, MedGen C1848634, MONDO:0010169, OMIM 276901.

Submissions (6):

Labcorp Genetics (formerly Invitae), Labcorp
Classification: Pathogenic. Last evaluated: 2026-01-18. Review status: criteria provided, single submitter. Criteria: Invitae Variant Classification Sherloc (09022015). Collection method: clinical testing. Allele origin: germline.
Comment: This sequence change creates a premature translational stop signal (p.Pro2747Hisfs*22) in the USH2A gene. It is expected to result in an absent or disrupted protein product. Loss-of-function variants in USH2A are known to be pathogenic (PMID: 10729113, 10909849, 20507924, 25649381). This variant is not present in population databases (gnomAD no frequency). This premature translational stop signal has been observed in individual(s) with clinical features of Usher syndrome (PMID: 28944237). ClinVar contains an entry for this variant (Variation ID: 553836). For these reasons, this variant has been classified as Pathogenic.

Genome-Nilou Lab
Classification: Likely pathogenic for Retinitis pigmentosa 39. Last evaluated: 2023-11-04. Review status: criteria provided, single submitter. Criteria: ACMG Guidelines, 2015. Collection method: clinical testing. Allele origin: germline. Affected: no.

Genome-Nilou Lab
Classification: Likely pathogenic for Usher syndrome type 2A. Last evaluated: 2023-11-04. Review status: criteria provided, single submitter. Criteria: ACMG Guidelines, 2015. Collection method: clinical testing. Allele origin: germline. Affected: no.

Baylor Genetics
Classification: Pathogenic for Retinitis pigmentosa 39. Last evaluated: 2022-05-24. Review status: criteria provided, single submitter. Criteria: ACMG Guidelines, 2015. Collection method: clinical testing. Allele origin: unknown.

Institute of Medical Genetics and Applied Genomics, University Hospital Tübingen
Classification: Pathogenic. Last evaluated: 2020-10-23. Review status: criteria provided, single submitter. Criteria: ACMG Guidelines, 2015. Collection method: clinical testing. Allele origin: germline. Inheritance: Autosomal recessive inheritance. Affected: yes.

Counsyl
Classification: Likely pathogenic for Usher syndrome type 2A; Retinitis pigmentosa 39. Last evaluated: 2017-09-13. Review status: no assertion criteria provided. Collection method: clinical testing. Allele origin: unknown. Not counted in ClinVar's aggregate classification.

Literature cited by the submitters: PubMed 10729113 (cited by Labcorp Genetics (formerly Invitae), Labcorp); PubMed 10909849 (cited by Labcorp Genetics (formerly Invitae), Labcorp); PubMed 20507924 (cited by Labcorp Genetics (formerly Invitae), Labcorp); PubMed 25649381 (cited by Labcorp Genetics (formerly Invitae), Labcorp); PubMed 28944237 (cited by Labcorp Genetics (formerly Invitae), Labcorp).

NM_206933.4(USH2A):c.8240del (p.Pro2747fs)

Gene: USH2A (usherin; minus strand). Cytogenetic location: 1q41.
Variant type: Deletion.
Coding change: c.8240del on transcript NM_206933.4 (MANE Select); coding-DNA position 8240, one base deleted (C; older notation c.8240delC).
Protein change: p.Pro2747fs; shifts the reading frame from proline 2747.
Molecular consequence: frameshift variant.
Genome position (GRCh38, 1-based): chr1:215,879,082, G deleted on the plus strand (C on the coding strand, the reverse complement: USH2A is on the minus strand); the first of 5 consecutive G bases (chr1:215,879,082-215,879,086); deleting any one gives the same sequence. VCF-style (leftmost placement, unchanged base first): chr1-215879081-TG-T. GRCh37 (hg19) VCF-style: chr1-216052423-TG-T.
Other names: short protein forms P2747fs.
Identifiers: ClinVar variation 553836 (VCV000553836.9), dbSNP rs1553272201, ClinGen allele CA658823363.